The following is an entry in ClinVar:

ClinVar aggregate classification (germline): Uncertain significance (1 of 4 stars; one submission).

Submission:

ISCA site 17
Classification: Uncertain significance. Last evaluated: 2011-08-12. Review status: criteria provided, single submitter. Criteria: Kaminsky et al. (Genet Med. 2011). Collection method: clinical testing. Allele origin: unknown. Affected: yes. Observed: 1 variant allele.
Comment: Copy number variation identified through the course of routine clinical cytogenomic testing in postnatal populations. Clinical assertions have been curated as described in Kaminsky et al. 2011.

GRCh38/hg38 11q14.1-14.2(chr11:84828563-86641166)x3

Genes: CCDC81 (coiled-coil domain containing 81; plus strand), CCDC83 (coiled-coil domain containing 83; plus strand), CCDC89 (coiled-coil domain containing 89; minus strand), CREBZF (CREB/ATF bZIP transcription factor; minus strand), DLG2 (discs large MAGUK scaffold protein 2; minus strand) and 48 more. Cytogenetic location: 11q14.1-14.2.
Variant type: copy number gain.
Change: copy number 3 (three copies instead of two) of chr11:84,828,563-86,641,166 (1.81 Mb, GRCh38 coordinates, 1-based), cytogenetic band 11q14.1-14.2.
Identifiers: ClinVar variation 160941 (VCV000160941.1).